The following is an entry in ClinVar:

ClinVar aggregate classification (germline): Uncertain significance. Review status: criteria provided, multiple submitters, no conflicts (2 of 4 stars). 2 submissions from 2 submitters: Uncertain significance (2). Last evaluated 2025-03-31.

Submissions (2):

Labcorp Genetics (formerly Invitae), Labcorp
Classification: Uncertain significance. Last evaluated: 2025-03-31. Review status: criteria provided, single submitter. Criteria: Invitae Variant Classification Sherloc (09022015). Collection method: clinical testing. Allele origin: germline.
Comment: This sequence change replaces glutamic acid, which is acidic and polar, with lysine, which is basic and polar, at codon 211 of the FAM186B protein (p.Glu211Lys). This variant is present in population databases (rs201650472, gnomAD 0.01%). This variant has not been reported in the literature in individuals affected with FAM186B-related conditions. ClinVar contains an entry for this variant (Variation ID: 3277319). An algorithm developed to predict the effect of missense changes on protein structure and function (PolyPhen-2) suggests that this variant is likely to be disruptive. In summary, the available evidence is currently insufficient to determine the role of this variant in disease. Therefore, it has been classified as a Variant of Uncertain Significance.

Ambry Genetics
Classification: Uncertain significance. Last evaluated: 2024-05-21. Review status: criteria provided, single submitter. Criteria: Ambry Variant Classification Scheme 2023. Collection method: clinical testing. Allele origin: germline.

NM_032130.3(FAM186B):c.631G>A (p.Glu211Lys)

Gene: FAM186B (family with sequence similarity 186 member B; minus strand). Cytogenetic location: 12q13.12.
Variant type: single nucleotide variant.
Coding change: c.631G>A on transcript NM_032130.3 (MANE Select); coding-DNA position 631, G replaced by A.
Protein change: p.Glu211Lys; replaces glutamic acid 211 with lysine.
Molecular consequence: missense variant. On other transcripts: non-coding transcript variant (1).
Genome position (GRCh38, 1-based): chr12:49,601,009, C>T on the plus strand (G>A on the coding strand, the complement: FAM186B is on the minus strand). VCF-style: chr12-49601009-C-T. GRCh37 (hg19) VCF-style: chr12-49994792-C-T.
Other names: short protein forms E211K.
Identifiers: ClinVar variation 3277319 (VCV003277319.2).